The following is an entry in ClinVar:

NM_016030.6(TRAPPC12):c.1262C>T (p.Thr421Met)

Gene: TRAPPC12 (trafficking protein particle complex subunit 12; plus strand). Cytogenetic location: 2p25.3.
Variant type: single nucleotide variant.
Coding change: c.1262C>T on transcript NM_016030.6 (MANE Select); coding-DNA position 1262, C replaced by T.
Protein change: p.Thr421Met; replaces threonine 421 with methionine.
Molecular consequence: missense variant.
Genome position (GRCh38, 1-based): chr2:3,421,978, C>T. VCF-style: chr2-3421978-C-T. GRCh37 (hg19) VCF-style: chr2-3425749-C-T.
Other names: c.1262C>T, p.Thr421Met (NM_001321102.2); c.1262C>T (NM_016030.5); short protein forms T421M.
Identifiers: ClinVar variation 1565060 (VCV001565060.32), dbSNP rs145733257, ClinGen allele CA1515364.

ClinVar aggregate classification (germline): Likely benign. Review status: criteria provided, multiple submitters, no conflicts (2 of 4 stars). 3 submissions from 3 submitters: Likely benign (2). 1 of the submissions does not count toward it. Last evaluated 2025-12-14.

Conditions:
TRAPPC12-related disorder. Also called: TRAPPC12-related condition.

Allele frequency attached by ClinVar (database versions not stated): 1000 Genomes Project 30x 0.00016; 1000 Genomes Project 0.00020; gnomAD 0.00135 and 0.00162; TOPMed 0.00151; ESP Exome Variant Server 0.00154.
gnomAD v4.1: 2,852 of 1,613,018 alleles (0.18%); highest among the groups gnomAD compares: Non-Finnish European, 0.22%; 5 homozygotes.

Submissions (3):

Labcorp Genetics (formerly Invitae), Labcorp
Classification: Likely benign. Last evaluated: 2025-12-14. Review status: criteria provided, single submitter. Criteria: Invitae Variant Classification Sherloc (09022015). Collection method: clinical testing. Allele origin: germline.

CeGaT Center for Human Genetics Tuebingen
Classification: Likely benign. Last evaluated: 2023-11-01. Review status: criteria provided, single submitter. Criteria: CeGaT Center For Human Genetics Tuebingen Variant Classification Criteria Version 2. Collection method: clinical testing. Allele origin: germline. Affected: yes. Observed: 2 variant alleles.
Comment: TRAPPC12: BS2

PreventionGenetics, part of Exact Sciences
Classification: Likely benign for TRAPPC12-related condition. Last evaluated: 2023-01-31. Review status: no assertion criteria provided. Collection method: clinical testing. Allele origin: germline. Not counted in ClinVar's aggregate classification.
Comment: This variant is classified as likely benign based on ACMG/AMP sequence variant interpretation guidelines (Richards et al. 2015 PMID: 25741868, with internal and published modifications).